The following is an entry in ClinVar:

ClinVar aggregate classification (germline): Likely pathogenic (1 of 4 stars; one submission).

Conditions:
SOX9-related disorder. Also called: SOX9-related condition.

Submission:

PreventionGenetics, part of Exact Sciences
Classification: Likely pathogenic for SOX9-related condition. Last evaluated: 2023-08-04. Review status: criteria provided, single submitter. Criteria: ACMG Guidelines, 2015. Collection method: clinical testing. Allele origin: germline.
Comment: The SOX9 c.1037delC variant is predicted to result in a frameshift and premature protein termination (p.Pro346Argfs*37). To our knowledge, this variant has not been reported in the literature or in a large population database, indicating this variant is rare. Frameshift variants in SOX9 are expected to be pathogenic. This variant occurs within the last exon, however is predicted to truncate the protein product substantially and pathogenic truncating mutations were reported downstream as well as upstream of this variant. This variant is interpreted as likely pathogenic.

NM_000346.4(SOX9):c.1037del (p.Pro346fs)

Gene: SOX9 (SRY-box transcription factor 9; plus strand). Cytogenetic location: 17q24.3.
Variant type: Deletion.
Coding change: c.1037del on transcript NM_000346.4 (MANE Select); coding-DNA position 1037, one base deleted (C; older notation c.1037delC).
Protein change: p.Pro346fs; shifts the reading frame from proline 346.
Molecular consequence: frameshift variant.
Genome position (GRCh38, 1-based): chr17:72,123,894, C deleted; the last of 5 consecutive C bases (chr17:72,123,890-72,123,894); deleting any one gives the same sequence. VCF-style (leftmost placement, unchanged base first): chr17-72123889-AC-A. GRCh37 (hg19) VCF-style: chr17-70120030-AC-A.
Other names: short protein forms P346fs.
Identifiers: ClinVar variation 2631642 (VCV002631642.1), dbSNP rs2509626553, ClinGen allele CA645598931.
Genomic context (GRCh38, chr17:72,123,889, plus strand): 5'-CGCGGCCACCCCGGCGAGCGCGGGCCACGTGTGGATGTCCAAGCAGCAGGCGCCGCCGCC[AC>A]CCCCGCAGCAGCCCCCACAGGCCCCGCCGGCCCCGCAGGCGCCCCCGCAGCCGCAGGCGG-3'